The following is an entry in ClinVar:

NM_004327.4(BCR):c.1122G>T (p.Ser374=)

Gene: BCR (BCR activator of RhoGEF and GTPase; plus strand). Cytogenetic location: 22q11.23.
Variant type: single nucleotide variant.
Coding change: c.1122G>T on transcript NM_004327.4 (MANE Select); coding-DNA position 1122, G replaced by T.
Protein change: p.Ser374=; no amino-acid change (serine 374 retained).
Molecular consequence: synonymous variant.
Genome position (GRCh38, 1-based): chr22:23,182,082, G>T. VCF-style: chr22-23182082-G-T. GRCh37 (hg19) VCF-style: chr22-23524269-G-T.
Other names: c.1122G>T, p.Ser374= (NM_021574.3).
Identifiers: ClinVar variation 4873306 (VCV004873306.2).
Genomic context (GRCh38, chr22:23,182,082, plus strand): 5'-CCCAAGCCCCACCACCTACCGCATGTTCCGGGACAAAAGCCGCTCTCCCTCGCAGAACTC[G>T]CAACAGTCCTTCGACAGCAGCAGTCCCCCCACGCCGCAGTGCCATAAGCGGCACCGGCAC-3'
Protein context (NP_004318.3, residues 364-384): RDKSRSPSQN[Ser374=]QQSFDSSSPP

ClinVar aggregate classification (germline): Likely benign (1 of 4 stars; one submission).

Submission:

CeGaT Center for Human Genetics Tuebingen
Classification: Likely benign. Last evaluated: 2026-04-01. Review status: criteria provided, single submitter. Criteria: CeGaT Center For Human Genetics Tuebingen Variant Classification Criteria Version 2. Collection method: clinical testing. Allele origin: germline. Affected: yes. Observed: 1 variant allele.
Comment: BCR: BP4, BP7